The following is an entry in ClinVar:

NM_001126108.2(SLC12A3):c.1535C>T (p.Ala512Val)

Gene: SLC12A3 (solute carrier family 12 member 3; plus strand). Cytogenetic location: 16q13.
Variant type: single nucleotide variant.
Coding change: c.1535C>T on transcript NM_001126108.2 (MANE Select); coding-DNA position 1535, C replaced by T.
Protein change: p.Ala512Val; replaces alanine 512 with valine.
Molecular consequence: missense variant.
Genome position (GRCh38, 1-based): chr16:56,880,221, C>T. VCF-style: chr16-56880221-C-T. GRCh37 (hg19) VCF-style: chr16-56914133-C-T.
Other names: c.1535C>T, p.Ala512Val (NM_000339.3); c.1532C>T, p.Ala511Val (NM_001126107.2, NM_001410896.1); short protein forms A511V, A512V.
Identifiers: ClinVar variation 2229491 (VCV002229491.2), dbSNP rs762129942, ClinGen allele CA8069509.
Genomic context (GRCh38, chr16:56,880,221, plus strand): 5'-TCGGCTTCTTCGGCAAAGGCTATGGCAAGAACAAGGAGCCCGTGCGTGGCTACCTGCTGG[C>T]CTACGCCATCGCTGTGGCCTTCATCATCATCGGTAAGGCTCTGCCAGGGCTCACAGGGCC-3'
Protein context (NP_001119580.2, residues 502-522): NKEPVRGYLL[Ala512Val]YAIAVAFIII

ClinVar aggregate classification (germline): Uncertain significance (1 of 4 stars; one submission).

Conditions:
Inborn genetic diseases. Identifiers: MedGen C0950123, MeSH D030342.

Allele frequency attached by ClinVar (database versions not stated): gnomAD exomes 0.00001; ExAC 0.00005.
gnomAD v4.1: 7 of 1,587,176 alleles (0.00044%); highest among the groups gnomAD compares: South Asian, 0.008%; no homozygotes.

Submission:

Ambry Genetics
Classification: Uncertain significance for Inborn genetic diseases. Last evaluated: 2021-03-23. Review status: criteria provided, single submitter. Criteria: Ambry Variant Classification Scheme 2023. Collection method: clinical testing. Allele origin: germline.
Comment: The c.1535C>T (p.A512V) alteration is located in exon 12 (coding exon 12) of the SLC12A3 gene. This alteration results from a C to T substitution at nucleotide position 1535, causing the alanine (A) at amino acid position 512 to be replaced by a valine (V). The in silico prediction for the p.A512V alteration is inconclusive. Based on insufficient or conflicting evidence, the clinical significance of this alteration remains unclear.